The following is an entry in ClinVar:

ClinVar aggregate classification (germline): Likely benign. Review status: criteria provided, single submitter (1 of 4 stars). 2 submissions from 2 submitters: Likely benign (1). 1 of the submissions does not count toward it. Last evaluated 2024-01-01.

Conditions:
TOP3B-related disorder. Also called: TOP3B-related condition.

Allele frequency attached by ClinVar (database versions not stated): 1000 Genomes Project 30x 0.00062; 1000 Genomes Project 0.00080; TOPMed 0.00133; gnomAD 0.00137; ESP Exome Variant Server 0.00138; ExAC 0.00143; gnomAD exomes 0.00151.
gnomAD v4.1: 2,440 of 1,614,162 alleles (0.15%); highest among the groups gnomAD compares: Middle Eastern, 1.2%; 3 homozygotes.

Submissions (2):

CeGaT Center for Human Genetics Tuebingen
Classification: Likely benign. Last evaluated: 2024-01-01. Review status: criteria provided, single submitter. Criteria: CeGaT Center For Human Genetics Tuebingen Variant Classification Criteria Version 2. Collection method: clinical testing. Allele origin: germline. Affected: yes. Observed: 1 variant allele.
Comment: TOP3B: BP4

PreventionGenetics, part of Exact Sciences
Classification: Likely benign for TOP3B-related condition. Last evaluated: 2019-03-25. Review status: no assertion criteria provided. Collection method: clinical testing. Allele origin: germline. Not counted in ClinVar's aggregate classification.
Comment: This variant is classified as likely benign based on ACMG/AMP sequence variant interpretation guidelines (Richards et al. 2015 PMID: 25741868, with internal and published modifications).

NM_001282112.2(TOP3B):c.726G>T (p.Val242=)

Gene: TOP3B (DNA topoisomerase III beta; minus strand). Cytogenetic location: 22q11.22.
Variant type: single nucleotide variant.
Coding change: c.726G>T on transcript NM_001282112.2 (MANE Select); coding-DNA position 726, G replaced by T.
Protein change: p.Val242=; no amino-acid change (valine 242 retained).
Molecular consequence: synonymous variant. On other transcripts: non-coding transcript variant (1).
Genome position (GRCh38, 1-based): chr22:21,968,631, C>A on the plus strand (G>T on the coding strand, the complement: TOP3B is on the minus strand). VCF-style: chr22-21968631-C-A. GRCh37 (hg19) VCF-style: chr22-22323003-C-A.
Other names: c.726G>T (NM_003935.4); c.726G>T, p.Val242= (NM_001282113.2, NM_001349845.2, NM_001349847.2 and 1 more transcripts); c.318G>T, p.Val106= (NM_001349848.2, NM_001349850.2, NM_001349851.2 and 1 more transcripts).
Identifiers: ClinVar variation 3024859 (VCV003024859.23), dbSNP rs114760416, ClinGen allele CA10125868.